The following is an entry in ClinVar:

NM_000284.4(PDHA1):c.396A>C (p.Arg132=)

Gene: PDHA1 (pyruvate dehydrogenase E1 subunit alpha 1; plus strand). Cytogenetic location: Xp22.12.
Variant type: single nucleotide variant.
Coding change: c.396A>C on transcript NM_000284.4 (MANE Select); coding-DNA position 396, A replaced by C.
Protein change: p.Arg132=; no amino-acid change (arginine 132 retained).
Molecular consequence: synonymous variant.
Genome position (GRCh38, 1-based): chrX:19,351,385, A>C. VCF-style: chrX-19351385-A-C. GRCh37 (hg19) VCF-style: chrX-19369503-A-C.
Other names: c.510A>C, p.Arg170= (NM_001173454.2); c.417A>C, p.Arg139= (NM_001173455.2); c.396A>C, p.Arg132= (NM_001173456.2).
Identifiers: ClinVar variation 511141 (VCV000511141.60), dbSNP rs757654963, ClinGen allele CA10363030.

ClinVar aggregate classification (germline): Benign/Likely benign. Review status: criteria provided, multiple submitters, no conflicts (2 of 4 stars). 7 submissions from 7 submitters: Benign (1); Likely benign (6). Last evaluated 2026-01-20.

Conditions:
Pyruvate dehydrogenase E1-alpha deficiency (PDHAD). Also called: ATAXIA, INTERMITTENT, WITH PYRUVATE DEHYDROGENASE DEFICIENCY; ATAXIA WITH LACTIC ACIDOSIS I; ATAXIA, INTERMITTENT, WITH ABNORMAL PYRUVATE METABOLISM; Ataxia, intermittent, with pyruvate dehydrogenase, or decarboxylase, deficiency. Identifiers: Orphanet 79243, MedGen C1839413, MONDO:0010717, OMIM 312170.

Allele frequency attached by ClinVar (database versions not stated): ExAC 0.00009; gnomAD exomes 0.00012 and 0.00015; TOPMed 0.00014; gnomAD 0.00026.
gnomAD v4.1: 160 of 1,209,293 alleles (0.013%); highest among the groups gnomAD compares: Middle Eastern, 0.28%; no homozygotes.

Submissions (7):

Labcorp Genetics (formerly Invitae), Labcorp
Classification: Benign for Pyruvate dehydrogenase E1-alpha deficiency. Last evaluated: 2026-01-20. Review status: criteria provided, single submitter. Criteria: Invitae Variant Classification Sherloc (09022015). Collection method: clinical testing. Allele origin: germline.

CeGaT Center for Human Genetics Tuebingen
Classification: Likely benign. Last evaluated: 2025-12-01. Review status: criteria provided, single submitter. Criteria: CeGaT Center For Human Genetics Tuebingen Variant Classification Criteria Version 2. Collection method: clinical testing. Allele origin: germline. Affected: yes. Observed: 7 variant alleles.
Comment: PDHA1: BP4, BP7, BS2

Blueprint Genetics
Classification: Likely benign. Last evaluated: 2024-11-28. Review status: criteria provided, single submitter. Criteria: ACMG Guidelines, 2015. Collection method: clinical testing. Allele origin: germline.

Genetic Services Laboratory, University of Chicago
Classification: Likely benign. Last evaluated: 2018-11-16. Review status: criteria provided, single submitter. Criteria: ACMG Guidelines, 2015. Collection method: clinical testing. Allele origin: germline. Affected: no.

GeneDx
Classification: Likely benign. Last evaluated: 2018-03-12. Review status: criteria provided, single submitter. Criteria: GeneDx Variant Classification (06012015). Collection method: clinical testing. Allele origin: germline. Affected: yes.
Comment: This variant is considered likely benign or benign based on one or more of the following criteria: it is a conservative change, it occurs at a poorly conserved position in the protein, it is predicted to be benign by multiple in silico algorithms, and/or has population frequency not consistent with disease.

Illumina Laboratory Services, Illumina
Classification: Likely benign for Pyruvate dehydrogenase E1-alpha deficiency. Last evaluated: 2018-01-13. Review status: criteria provided, single submitter. Criteria: ICSL Variant Classification Criteria 13 December 2019. Collection method: clinical testing. Allele origin: germline.
Comment: This variant was observed in the ICSL laboratory as part of a predisposition screen in an ostensibly healthy population. It had not been previously curated by ICSL or reported in the Human Gene Mutation Database (HGMD: prior to June 1st, 2018), and was therefore a candidate for classification through an automated scoring system. Utilizing variant allele frequency, disease prevalence and penetrance estimates, and inheritance mode, an automated score was calculated to assess if this variant is too frequent to cause the disease. Based on the score and internal cut-off values, a variant classified as likely benign is not then subjected to further curation. The score for this variant resulted in a classification of likely benign for this disease.

Breakthrough Genomics
Classification: Likely benign. Review status: criteria provided, single submitter. Criteria: ACMG Guidelines, 2015. Collection method: not provided. Allele origin: germline. Inheritance: X-linked inheritance. Affected: yes.